The following is an entry in ClinVar:

ClinVar aggregate classification (germline): Uncertain significance. Review status: criteria provided, multiple submitters, no conflicts (2 of 4 stars). 2 submissions from 2 submitters: Uncertain significance (2). Last evaluated 2024-09-03.

Conditions:
Familial sleep-related hypermotor epilepsy. Also called: Autosomal Dominant Sleep-Related Hypermotor (Hyperkinetic) Epilepsy. Identifiers: Orphanet 98784, MedGen C3696898, MONDO:0000030.

Allele frequency attached by ClinVar (database versions not stated): TOPMed below 0.00001; gnomAD 0.00001.
gnomAD v4.1: 1 of 1,613,946 alleles (0.000062%); highest among the groups gnomAD compares: African/African-American, 0.0013%; no homozygotes.

Submissions (2):

Labcorp Genetics (formerly Invitae), Labcorp
Classification: Uncertain significance. Last evaluated: 2024-09-03. Review status: criteria provided, single submitter. Criteria: Invitae Variant Classification Sherloc (09022015). Collection method: clinical testing. Allele origin: germline.
Comment: This sequence change replaces leucine, which is neutral and non-polar, with isoleucine, which is neutral and non-polar, at codon 260 of the CHRNA4 protein (p.Leu260Ile). This variant is not present in population databases (gnomAD no frequency). This variant has not been reported in the literature in individuals affected with CHRNA4-related conditions. ClinVar contains an entry for this variant (Variation ID: 1043499). Invitae Evidence Modeling of protein sequence and biophysical properties (such as structural, functional, and spatial information, amino acid conservation, physicochemical variation, residue mobility, and thermodynamic stability) has been performed for this missense variant. However, the output from this modeling did not meet the statistical confidence thresholds required to predict the impact of this variant on CHRNA4 protein function. In summary, the available evidence is currently insufficient to determine the role of this variant in disease. Therefore, it has been classified as a Variant of Uncertain Significance.

CeGaT Center for Human Genetics Tuebingen
Classification: Uncertain significance. Last evaluated: 2023-09-01. Review status: criteria provided, single submitter. Criteria: CeGaT Center For Human Genetics Tuebingen Variant Classification Criteria Version 2. Collection method: clinical testing. Allele origin: germline. Affected: yes. Observed: 1 variant allele.
Comment: CHRNA4: PM2, PP3

NM_000744.7(CHRNA4):c.778C>A (p.Leu260Ile)

Gene: CHRNA4 (cholinergic receptor nicotinic alpha 4 subunit; minus strand). Cytogenetic location: 20q13.33.
Variant type: single nucleotide variant.
Coding change: c.778C>A on transcript NM_000744.7 (MANE Select); coding-DNA position 778, C replaced by A.
Protein change: p.Leu260Ile; replaces leucine 260 with isoleucine.
Molecular consequence: missense variant. On other transcripts: non-coding transcript variant (1).
Genome position (GRCh38, 1-based): chr20:63,350,633, G>T on the plus strand (C>A on the coding strand, the complement: CHRNA4 is on the minus strand). VCF-style: chr20-63350633-G-T. GRCh37 (hg19) VCF-style: chr20-61981985-G-T.
Other names: c.250C>A, p.Leu84Ile (NM_001256573.2); short protein forms L260I, L84I.
Identifiers: ClinVar variation 1043499 (VCV001043499.33), dbSNP rs770780958, ClinGen allele CA409636777.